The following is an entry in ClinVar:

NM_002133.3(HMOX1):c.360G>T (p.Glu120Asp)

Gene: HMOX1 (heme oxygenase 1; plus strand). Cytogenetic location: 22q12.3.
Variant type: single nucleotide variant.
Coding change: c.360G>T on transcript NM_002133.3 (MANE Select); coding-DNA position 360, G replaced by T.
Protein change: p.Glu120Asp; replaces glutamic acid 120 with aspartic acid.
Molecular consequence: missense variant.
Genome position (GRCh38, 1-based): chr22:35,386,900, G>T. VCF-style: chr22-35386900-G-T. GRCh37 (hg19) VCF-style: chr22-35782893-G-T.
Other names: short protein forms E120D.
Identifiers: ClinVar variation 1802054 (VCV001802054.1), dbSNP rs113166818, ClinGen allele CA411352551.

ClinVar aggregate classification (germline): Uncertain significance (1 of 4 stars; one submission).

Submission:

GeneDx
Classification: Uncertain significance. Last evaluated: 2022-06-05. Review status: criteria provided, single submitter. Criteria: GeneDx Variant Classification Process June 2021. Collection method: clinical testing. Allele origin: germline. Affected: yes.
Comment: Not observed at significant frequency in large population cohorts (gnomAD); In silico analysis supports that this missense variant does not alter protein structure/function; Has not been previously published as pathogenic or benign to our knowledge